The following is an entry in ClinVar:

NM_022367.4(SEMA4A):c.149G>T (p.Arg50Leu)

Gene: SEMA4A (semaphorin 4A; plus strand). Cytogenetic location: 1q22.
Variant type: single nucleotide variant.
Coding change: c.149G>T on transcript NM_022367.4 (MANE Select); coding-DNA position 149, G replaced by T.
Protein change: p.Arg50Leu; replaces arginine 50 with leucine.
Molecular consequence: missense variant. On other transcripts: 5 prime UTR variant (4).
Genome position (GRCh38, 1-based): chr1:156,156,423, G>T. VCF-style: chr1-156156423-G-T. GRCh37 (hg19) VCF-style: chr1-156126214-G-T.
Other names: c.149G>T, p.Arg50Leu (NM_001193300.2, NM_001193301.2, NM_001370567.1); c.-149G>T (NM_001193302.2, NM_001370568.1); c.-376G>T (NM_001370569.1, NM_001370571.1); short protein forms R50L.
Identifiers: ClinVar variation 1929313 (VCV001929313.5), dbSNP rs141456930, ClinGen allele CA1154939.

ClinVar aggregate classification (germline): Uncertain significance (1 of 4 stars; one submission).

Allele frequency attached by ClinVar (database versions not stated): ESP Exome Variant Server 0.00008.
gnomAD v4.1: 10 of 1,613,930 alleles (0.00062%); highest among the groups gnomAD compares: African/African-American, 0.013%; no homozygotes.

Submission:

Labcorp Genetics (formerly Invitae), Labcorp
Classification: Uncertain significance. Last evaluated: 2022-08-12. Review status: criteria provided, single submitter. Criteria: Invitae Variant Classification Sherloc (09022015). Collection method: clinical testing. Allele origin: germline.
Comment: Algorithms developed to predict the effect of missense changes on protein structure and function are either unavailable or do not agree on the potential impact of this missense change (SIFT: "Tolerated"; PolyPhen-2: "Possibly Damaging"; Align-GVGD: "Class C0"). In summary, the available evidence is currently insufficient to determine the role of this variant in disease. Therefore, it has been classified as a Variant of Uncertain Significance. This sequence change replaces arginine, which is basic and polar, with leucine, which is neutral and non-polar, at codon 50 of the SEMA4A protein (p.Arg50Leu). This variant is present in population databases (rs141456930, gnomAD 0.007%). This variant has not been reported in the literature in individuals affected with SEMA4A-related conditions.